The following is an entry in ClinVar:

ClinVar aggregate classification (germline): Uncertain significance (1 of 4 stars; one submission).

Submission:

Women's Health and Genetics/Laboratory Corporation of America, LabCorp
Classification: Uncertain significance. Last evaluated: 2025-04-16. Review status: criteria provided, single submitter. Criteria: LabCorp Variant Classification Summary - May 2015. Collection method: clinical testing. Allele origin: germline.
Comment: Variant summary: MCM3AP c.4781A>G (p.Glu1594Gly) results in a non-conservative amino acid change in the encoded protein sequence. Four of five in-silico tools predict a damaging effect of the variant on protein function. The variant was absent in 251484 control chromosomes (gnomAD). The available data on variant occurrences in the general population are insufficient to allow any conclusion about variant significance. To our knowledge, no occurrence of c.4781A>G in individuals affected with Peripheral neuropathy, autosomal recessive, with or without impaired intellectual development and no experimental evidence demonstrating its impact on protein function have been reported. No submitters have cited clinical-significance assessments for this variant to ClinVar. Based on the evidence outlined above, the variant was classified as uncertain significance.

NM_003906.5(MCM3AP):c.4781A>G (p.Glu1594Gly)

Genes: MCM3AP (minichromosome maintenance complex component 3 associated protein; minus strand), MCM3AP-AS1 (MCM3AP antisense RNA 1; plus strand). Cytogenetic location: 21q22.3.
Variant type: single nucleotide variant.
Coding change: c.4781A>G on transcript NM_003906.5 (MANE Select); coding-DNA position 4781, A replaced by G.
Protein change: p.Glu1594Gly; replaces glutamic acid 1594 with glycine.
Molecular consequence: missense variant.
Genome position (GRCh38, 1-based): chr21:46,245,064, T>C on the plus strand (A>G on the coding strand, the complement: MCM3AP is on the minus strand). VCF-style: chr21-46245064-T-C. GRCh37 (hg19) VCF-style: chr21-47664978-T-C.
Other names: short protein forms E1594G.
Identifiers: ClinVar variation 3896218 (VCV003896218.2).
Genomic context (GRCh38, chr21:46,245,064, plus strand): 5'-CTGTTAAACAGCTCAATGATGGCGCCAGGCTCCTGAGAAGCAAGACCGCCCAGACGCCTC[T>C]CTCTTCTGTCATGGAAAAAGCGGCCACTAAACTCATGGCCAATCCCGTCTTCGACGTACT-3'
Protein context (NP_003897.2, residues 1584-1604): FSGRFFHDRR[Glu1594Gly]RRLGGLASQE